The following is an entry in ClinVar:

ClinVar aggregate classification (germline): Uncertain significance. Review status: criteria provided, multiple submitters, no conflicts (2 of 4 stars). 2 submissions from 2 submitters: Uncertain significance (2). Last evaluated 2025-11-07.

Allele frequency attached by ClinVar (database versions not stated): gnomAD 0.00003; ExAC 0.00003; ESP Exome Variant Server 0.00008; TOPMed 0.00003.
gnomAD v4.1: 45 of 1,613,280 alleles (0.0028%); highest among the groups gnomAD compares: East Asian, 0.0089%; no homozygotes.

Submissions (2):

Dasa
Classification: Uncertain significance. Last evaluated: 2025-11-07. Review status: criteria provided, single submitter. Criteria: DASA Assertion Criteria. Collection method: clinical testing. Allele origin: germline.
Comment: NM_006311.4(NCOR1):c.1838C>T (p.Pro613Leu) is a missense variant that results in the substitution of proline with leucine. This variant is rare in population databases. The currently available literature and clinical evidence are not sufficient to establish a definitive association between this variant and the reported condition. Therefore, this variant is classified as a variant of uncertain significance.

Ambry Genetics
Classification: Uncertain significance. Last evaluated: 2023-05-18. Review status: criteria provided, single submitter. Criteria: Ambry Variant Classification Scheme 2023. Collection method: clinical testing. Allele origin: germline.

NM_006311.4(NCOR1):c.1838C>T (p.Pro613Leu)

Gene: NCOR1 (nuclear receptor corepressor 1; minus strand). Cytogenetic location: 17p11.2.
Variant type: single nucleotide variant.
Coding change: c.1838C>T on transcript NM_006311.4 (MANE Select); coding-DNA position 1838, C replaced by T.
Protein change: p.Pro613Leu; replaces proline 613 with leucine.
Molecular consequence: missense variant.
Genome position (GRCh38, 1-based): chr17:16,121,066, G>A on the plus strand (C>T on the coding strand, the complement: NCOR1 is on the minus strand). VCF-style: chr17-16121066-G-A. GRCh37 (hg19) VCF-style: chr17-16024380-G-A.
Other names: c.1511C>T, p.Pro504Leu (NM_001190438.2); c.1838C>T, p.Pro613Leu (NM_001190440.2); short protein forms P504L, P613L.
Identifiers: ClinVar variation 2570260 (VCV002570260.4), dbSNP rs148932674, ClinGen allele CA8409193.
Genomic context (GRCh38, chr17:16,121,066, plus strand): 5'-TCCCGAACAAAATTATGGCCTGTTTATGCCAATTGTTTCCACTCACTGGGTTCTGGTGGC[G>A]GTGGCAGAGGTGGTGGGGGCTCTTCAGTAGCCGCTGCGGCTGCAGCACTGGCAGCTGCAG-3'
Protein context (NP_006302.2, residues 603-623): ATEEPPPPLP[Pro613Leu]PPEPISTEPV